The following is an entry in ClinVar:

ClinVar aggregate classification (germline): Likely pathogenic (1 of 4 stars; one submission).

Conditions:
Nemaline myopathy 2 (NEM2). Also called: Nemaline myopathy 2, autosomal recessive. Identifiers: MedGen C1850569, MONDO:0009725, OMIM 256030.

Submission:

Natera, Inc.
Classification: Likely pathogenic for Nemaline myopathy type 2. Last evaluated: 2024-06-07. Review status: criteria provided, single submitter. Criteria: Natera Variant Classification Schema (03/2026). Collection method: clinical testing. Allele origin: germline.
Comment: The c.7204A>T variant in NEB is a nonsense variant predicted to introduce a stop codon at amino acid 2402. This variant is expected to result in nonsense mediated decay, truncation, or a dysfunctional protein product. This variant is rare in the general population with a frequency below the threshold expected for the associated phenotype(s). Given the available evidence, this variant is classified as Likely Pathogenic.

NM_001164508.2(NEB):c.7204A>T (p.Lys2402Ter)

Gene: NEB (nebulin; minus strand). Cytogenetic location: 2q23.3.
Variant type: single nucleotide variant.
Coding change: c.7204A>T on transcript NM_001164508.2 (MANE Select); coding-DNA position 7204, A replaced by T.
Protein change: p.Lys2402Ter; replaces lysine 2402 with a stop codon.
Molecular consequence: nonsense.
Genome position (GRCh38, 1-based): chr2:151,650,597, T>A on the plus strand (A>T on the coding strand, the complement: NEB is on the minus strand). VCF-style: chr2-151650597-T-A. GRCh37 (hg19) VCF-style: chr2-152507111-T-A.
Other names: c.7204A>T, p.Lys2402Ter (NM_001164507.2, NM_001271208.2, NM_004543.5); short protein forms K2402*.
Identifiers: ClinVar variation 4814783 (VCV004814783.1).